The following is an entry in ClinVar:

NM_001195129.2(PRSS56):c.766T>C (p.Cys256Arg)

Gene: PRSS56 (serine protease 56; plus strand). Cytogenetic location: 2q37.1.
Variant type: single nucleotide variant.
Coding change: c.766T>C on transcript NM_001195129.2 (MANE Select); coding-DNA position 766, T replaced by C.
Protein change: p.Cys256Arg; replaces cysteine 256 with arginine.
Molecular consequence: missense variant.
Genome position (GRCh38, 1-based): chr2:232,523,119, T>C. VCF-style: chr2-232523119-T-C. GRCh37 (hg19) VCF-style: chr2-233387829-T-C.
Other names: c.766T>C, p.Cys256Arg (NM_001369848.1); short protein forms C256R.
Identifiers: ClinVar variation 1916237 (VCV001916237.5), dbSNP rs1691322098, ClinGen allele CA350988150.

ClinVar aggregate classification (germline): Uncertain significance (1 of 4 stars; one submission).

Conditions:
Isolated microphthalmia 6. Also called: MICROPHTHALMIA, POSTERIOR NONSYNDROMIC. Identifiers: Orphanet 2542, MedGen C3150757, MONDO:0013293, OMIM 613517.

Allele frequency attached by ClinVar (database versions not stated): gnomAD exomes below 0.00001; TOPMed below 0.00001.
gnomAD v4.1: 2 of 1,534,790 alleles (0.00013%); highest among the groups gnomAD compares: Non-Finnish European, 0.00017%; no homozygotes.

Submission:

Labcorp Genetics (formerly Invitae), Labcorp
Classification: Uncertain significance for Isolated microphthalmia 6. Last evaluated: 2022-08-16. Review status: criteria provided, single submitter. Criteria: Invitae Variant Classification Sherloc (09022015). Collection method: clinical testing. Allele origin: germline.
Comment: This missense change has been observed in individuals with PRSS56-related conditions (PMID: 31992737). This sequence change replaces cysteine, which is neutral and slightly polar, with arginine, which is basic and polar, at codon 256 of the PRSS56 protein (p.Cys256Arg). This variant is not present in population databases (gnomAD no frequency). Algorithms developed to predict the effect of missense changes on protein structure and function are either unavailable or do not agree on the potential impact of this missense change (SIFT: "Deleterious"; PolyPhen-2: "Not Available"; Align-GVGD: "Class C0"). In summary, the available evidence is currently insufficient to determine the role of this variant in disease. Therefore, it has been classified as a Variant of Uncertain Significance.

Literature cited by the submitters: PubMed 31992737.